The following is an entry in ClinVar:

NM_025074.7(FRAS1):c.4579C>T (p.Arg1527Trp)

Gene: FRAS1 (Fraser extracellular matrix complex subunit 1; plus strand). Cytogenetic location: 4q21.21.
Variant type: single nucleotide variant.
Coding change: c.4579C>T on transcript NM_025074.7 (MANE Select); coding-DNA position 4579, C replaced by T.
Protein change: p.Arg1527Trp; replaces arginine 1527 with tryptophan.
Molecular consequence: missense variant.
Genome position (GRCh38, 1-based): chr4:78,421,901, C>T. VCF-style: chr4-78421901-C-T. GRCh37 (hg19) VCF-style: chr4-79343055-C-T.
Other names: c.4579C>T, p.Arg1527Trp (NM_001166133.2); short protein forms R1527W.
Identifiers: ClinVar variation 196928 (VCV000196928.69), dbSNP rs1872267, ClinGen allele CA244749.

ClinVar aggregate classification (germline): Conflicting classifications of pathogenicity. Review status: criteria provided, conflicting classifications (1 of 4 stars). 14 submissions from 14 submitters: Uncertain significance (4); Likely benign (6). 4 of the submissions do not count toward it. Last evaluated 2026-06-01.

Conditions:
FRAS1-related disorder. Also called: FRAS1-related condition.
Inborn genetic diseases. Identifiers: MedGen C0950123, MeSH D030342.
Fraser syndrome 1 (FRASRS1). Also called: CRYPTOPHTHALMOS WITH OTHER MALFORMATIONS. Identifiers: Orphanet 2052, MedGen C4551480, MONDO:0054737, OMIM 219000.

Allele frequency attached by ClinVar (database versions not stated): 1000 Genomes Project 0.00140; 1000 Genomes Project 30x 0.00141; ESP Exome Variant Server 0.00193; ExAC 0.00244; gnomAD 0.00245 and 0.00253; gnomAD exomes 0.00278 and 0.00286; TOPMed 0.00293.
gnomAD v4.1: 4,627 of 1,613,856 alleles (0.29%); highest among the groups gnomAD compares: Middle Eastern, 2%; 12 homozygotes.

Submissions (14):

CeGaT Center for Human Genetics Tuebingen
Classification: Likely benign. Last evaluated: 2026-06-01. Review status: criteria provided, single submitter. Criteria: CeGaT Center For Human Genetics Tuebingen Variant Classification Criteria Version 2. Collection method: clinical testing. Allele origin: germline. Affected: yes. Observed: 14 variant alleles.
Comment: FRAS1: BP4, BS2

Labcorp Genetics (formerly Invitae), Labcorp
Classification: Likely benign. Last evaluated: 2026-02-01. Review status: criteria provided, single submitter. Criteria: Invitae Variant Classification Sherloc (09022015). Collection method: clinical testing. Allele origin: germline.

Blueprint Genetics
Classification: Likely benign. Last evaluated: 2024-11-26. Review status: criteria provided, single submitter. Criteria: ACMG Guidelines, 2015. Collection method: clinical testing. Allele origin: germline.

Ambry Genetics
Classification: Likely benign for Inborn genetic diseases. Last evaluated: 2024-05-20. Review status: criteria provided, single submitter. Criteria: Ambry Variant Classification Scheme 2023. Collection method: clinical testing. Allele origin: germline.

GeneDx
Classification: Uncertain significance. Last evaluated: 2023-04-11. Review status: criteria provided, single submitter. Criteria: GeneDx Variant Classification Process June 2021. Collection method: clinical testing. Allele origin: germline. Affected: yes.
Comment: Identified in unrelated individuals with congenital anomalies of the kidney and urinary tract who had second variants detected, however phase was not confirmed (Kohl et al., 2014); Reported with a second FRAS1 variant, phase unknown, in a patient with bilateral Peter's anomaly (Chesneau et al., 2022); In silico analysis supports that this missense variant has a deleterious effect on protein structure/function; This variant is associated with the following publications: (PMID: 28542843, 34426522, 33726816, 24700879, 35170016)

Women's Health and Genetics/Laboratory Corporation of America, LabCorp
Classification: Likely benign. Last evaluated: 2022-09-06. Review status: criteria provided, single submitter. Criteria: LabCorp Variant Classification Summary - May 2015. Collection method: clinical testing. Allele origin: germline.
Comment: Variant summary: FRAS1 c.4579C>T (p.Arg1527Trp) results in a non-conservative amino acid change in the encoded protein sequence. Four of five in-silico tools predict a damaging effect of the variant on protein function. The variant allele was found at a frequency of 0.0028 in 249038 control chromosomes in the gnomAD database, including 2 homozygotes. The observed variant frequency is approximately 2 fold of the estimated maximal predicted allele frequency for a pathogenic variant in FRAS1 causing Cryptophthalmos Syndrome phenotype (0.0018), strongly suggesting that the variant is benign. c.4579C>T has been reported in the literature in individuals affected Congenital anomalies of the kidney and urinary tract (example: Kohl_2014). This report does not provide unequivocal conclusions about association of the variant with Cryptophthalmos Syndrome. To our knowledge, no experimental evidence demonstrating an impact on protein function has been reported. Six clinical diagnostic laboratories have submitted clinical-significance assessments for this variant to ClinVar after 2014 and classified the variant as VUS (n=4) and likely benign (n=2). Based on the evidence outlined above, the variant was classified as likely benign.

Department of Pathology and Laboratory Medicine, Sinai Health System
Classification: Uncertain significance for Fraser syndrome 1. Last evaluated: 2021-12-22. Review status: criteria provided, single submitter. Criteria: ACMG Guidelines, 2015. Collection method: research. Allele origin: germline.

Genetic Services Laboratory, University of Chicago
Classification: Uncertain significance. Last evaluated: 2019-07-12. Review status: criteria provided, single submitter. Criteria: ACMG Guidelines, 2015. Collection method: clinical testing. Allele origin: germline. Affected: no.

Eurofins Ntd Llc (ga)
Classification: Uncertain significance. Last evaluated: 2018-03-23. Review status: criteria provided, single submitter. Criteria: EGL ClinVar v180209 classification definitions. Collection method: clinical testing. Allele origin: germline. Observed: 5 variant alleles, 5 heterozygotes.

Illumina Laboratory Services, Illumina
Classification: Likely benign for Fraser syndrome 1. Last evaluated: 2018-01-12. Review status: criteria provided, single submitter. Criteria: ICSL Variant Classification Criteria 13 December 2019. Collection method: clinical testing. Allele origin: germline.
Comment: This variant was observed in the ICSL laboratory as part of a predisposition screen in an ostensibly healthy population. It had not been previously curated by ICSL or reported in the Human Gene Mutation Database (HGMD: prior to June 1st, 2018), and was therefore a candidate for classification through an automated scoring system. Utilizing variant allele frequency, disease prevalence and penetrance estimates, and inheritance mode, an automated score was calculated to assess if this variant is too frequent to cause the disease. Based on the score and internal cut-off values, a variant classified as likely benign is not then subjected to further curation. The score for this variant resulted in a classification of likely benign for this disease.

PreventionGenetics, part of Exact Sciences
Classification: Likely benign for FRAS1-related condition. Last evaluated: 2020-10-12. Review status: no assertion criteria provided. Collection method: clinical testing. Allele origin: germline. Not counted in ClinVar's aggregate classification.
Comment: This variant is classified as likely benign based on ACMG/AMP sequence variant interpretation guidelines (Richards et al. 2015 PMID: 25741868, with internal and published modifications).

Clinical Genetics DNA and cytogenetics Diagnostics Lab, Erasmus MC, Erasmus Medical Center
Classification: Likely benign. Review status: no assertion criteria provided. Collection method: clinical testing. Allele origin: germline. Affected: yes. Study: VKGL Data-share Consensus. Not counted in ClinVar's aggregate classification.

Genome Diagnostics Laboratory, University Medical Center Utrecht
Classification: Likely benign. Review status: no assertion criteria provided. Collection method: clinical testing. Allele origin: germline. Affected: yes. Study: VKGL Data-share Consensus. Not counted in ClinVar's aggregate classification.

Laboratory of Diagnostic Genome Analysis, Leiden University Medical Center (LUMC)
Classification: Likely benign. Review status: no assertion criteria provided. Collection method: clinical testing. Allele origin: germline. Affected: yes. Study: VKGL Data-share Consensus. Not counted in ClinVar's aggregate classification.

Literature cited by the submitters: PubMed 24700879 (cited by Ambry Genetics and Women's Health and Genetics/Laboratory Corporation of America, LabCorp); PubMed 31308072 (cited by Ambry Genetics); PubMed 33726816 (cited by Women's Health and Genetics/Laboratory Corporation of America, LabCorp).